The following is an entry in ClinVar:

NM_052867.4(NALCN):c.4930A>G (p.Ser1644Gly)

Genes: NALCN (sodium leak channel, non-selective; minus strand), NALCN-AS1 (NALCN antisense RNA 1; plus strand). Cytogenetic location: 13q32.3.
Variant type: single nucleotide variant.
Coding change: c.4930A>G on transcript NM_052867.4 (MANE Select); coding-DNA position 4930, A replaced by G.
Protein change: p.Ser1644Gly; replaces serine 1644 with glycine.
Molecular consequence: missense variant. On other transcripts: non-coding transcript variant (1).
Genome position (GRCh38, 1-based): chr13:101,058,032, T>C on the plus strand (A>G on the coding strand, the complement: NALCN is on the minus strand). VCF-style: chr13-101058032-T-C. GRCh37 (hg19) VCF-style: chr13-101710384-T-C.
Other names: c.5017A>G, p.Ser1673Gly (NM_001350748.2); c.4930A>G, p.Ser1644Gly (NM_001350749.2); c.4843A>G, p.Ser1615Gly (NM_001350750.2, NM_001350751.2); short protein forms S1615G, S1644G, S1673G.
Identifiers: ClinVar variation 3384376 (VCV003384376.1).
Genomic context (GRCh38, chr13:101,058,032, plus strand): 5'-GGGGTTTCCCTGCGTCGGCTGCATCTTGCCGACTTCCTCCTCGATCCGACAGCGTGGGGC[T>C]CAGGAGCTGCTGCTGGCTGCTTGTCTGCATGGGAGGAGAAGCACACAGTTACCGTCTTTT-3'
Protein context (NP_443099.1, residues 1634-1654): PETSSQQQLL[Ser1644Gly]PTLSDRGGSR

ClinVar aggregate classification (germline): Uncertain significance (1 of 4 stars; one submission).

Submission:

GeneDx
Classification: Uncertain significance. Last evaluated: 2024-06-07. Review status: criteria provided, single submitter. Criteria: GeneDx Variant Classification Process June 2021. Collection method: clinical testing. Allele origin: germline. Affected: yes.
Comment: Not observed at significant frequency in large population cohorts (gnomAD); In silico analysis indicates that this missense variant does not alter protein structure/function; Has not been previously published as pathogenic or benign to our knowledge